The following is an entry in ClinVar:

NM_005732.4(RAD50):c.2125C>G (p.Pro709Ala)

Gene: RAD50 (RAD50 double strand break repair protein; plus strand). Cytogenetic location: 5q31.1.
Variant type: single nucleotide variant.
Coding change: c.2125C>G on transcript NM_005732.4 (MANE Select); coding-DNA position 2125, C replaced by G.
Protein change: p.Pro709Ala; replaces proline 709 with alanine.
Molecular consequence: missense variant.
Genome position (GRCh38, 1-based): chr5:132,595,728, C>G. VCF-style: chr5-132595728-C-G. GRCh37 (hg19) VCF-style: chr5-131931420-C-G.
Other names: short protein forms P709A.
Identifiers: ClinVar variation 3312323 (VCV003312323.1).

ClinVar aggregate classification (germline): Uncertain significance (1 of 4 stars; one submission).

Conditions:
Hereditary cancer-predisposing syndrome. Also called: Neoplastic Syndromes, Hereditary; Tumor predisposition; Hereditary neoplastic syndrome; Hereditary Cancer Syndrome. Identifiers: Orphanet 140162, MedGen C0027672, MeSH D009386, MONDO:0015356.

Submission:

Ambry Genetics
Classification: Uncertain significance for Hereditary cancer-predisposing syndrome. Last evaluated: 2024-05-01. Review status: criteria provided, single submitter. Criteria: Ambry Variant Classification Scheme 2023. Collection method: clinical testing. Allele origin: germline.
Comment: The p.P709A variant (also known as c.2125C>G), located in coding exon 13 of the RAD50 gene, results from a C to G substitution at nucleotide position 2125. The proline at codon 709 is replaced by alanine, an amino acid with highly similar properties. This amino acid position is conserved. In addition, this alteration is predicted to be tolerated by in silico analysis. Based on the available evidence, the clinical significance of this variant remains unclear.